The following is an entry in ClinVar:

ClinVar aggregate classification (germline): Uncertain significance (1 of 4 stars; one submission).

gnomAD v4.1: 19 of 1,612,610 alleles (0.0012%); highest among the groups gnomAD compares: Middle Eastern, 0.016%; no homozygotes.

Submission:

Labcorp Genetics (formerly Invitae), Labcorp
Classification: Uncertain significance. Last evaluated: 2025-07-03. Review status: criteria provided, single submitter. Criteria: Invitae Variant Classification Sherloc (09022015). Collection method: clinical testing. Allele origin: germline.
Comment: This sequence change replaces arginine, which is basic and polar, with tryptophan, which is neutral and slightly polar, at codon 839 of the JAK2 protein (p.Arg839Trp). This variant is present in population databases (rs373353534, gnomAD 0.006%). This variant has not been reported in the literature in individuals affected with JAK2-related conditions. An algorithm developed to predict the effect of missense changes on protein structure and function (PolyPhen-2) suggests that this variant is likely to be disruptive. In summary, the available evidence is currently insufficient to determine the role of this variant in disease. Therefore, it has been classified as a Variant of Uncertain Significance.

NM_004972.4(JAK2):c.2515C>T (p.Arg839Trp)

Genes: JAK2 (Janus kinase 2; plus strand), INSL6 (insulin like 6; minus strand). Cytogenetic location: 9p24.1.
Variant type: single nucleotide variant.
Coding change: c.2515C>T on transcript NM_004972.4 (MANE Select); coding-DNA position 2515, C replaced by T.
Protein change: p.Arg839Trp; replaces arginine 839 with tryptophan.
Molecular consequence: missense variant. On other transcripts: non-coding transcript variant (2).
Genome position (GRCh38, 1-based): chr9:5,081,805, C>T. VCF-style: chr9-5081805-C-T. GRCh37 (hg19) VCF-style: chr9-5081805-C-T.
Other names: c.2515C>T, p.Arg839Trp (NM_001322194.2, NM_001322195.2, NM_001322196.2); c.1300C>T, p.Arg434Trp (NM_001322198.2, NM_001322199.2); c.2068C>T, p.Arg690Trp (NM_001322204.2); short protein forms R434W, R690W, R839W.
Identifiers: ClinVar variation 4797992 (VCV004797992.1).
Genomic context (GRCh38, chr9:5,081,805, plus strand): 5'-AATGACATGTTACCAAATATGAGGATAGGTGCCCTGGGGTTTTCTGGTGCCTTTGAAGAC[C>T]GGGATCCTACACAGTTTGAAGAGAGACATTTGAAATTTCTACAGCAACTTGGCAAGGTAA-3'
Protein context (NP_004963.1, residues 829-849): ALGFSGAFED[Arg839Trp]DPTQFEERHL